The following is an entry in ClinVar:

ClinVar aggregate classification (germline): Likely pathogenic (1 of 4 stars; one submission).

Conditions:
Multiple acyl-CoA dehydrogenase deficiency (MADD). Also called: Glutaric aciduria, type 2; ETHYLMALONIC-ADIPICACIDURIA; GA II; Glutaric Acidemia type 2; Glutaric acidemia type II; GA 2. Identifiers: Orphanet 26791, MedGen C0268596, MONDO:0009282, OMIM 231680.

Submission:

Labcorp Genetics (formerly Invitae), Labcorp
Classification: Likely pathogenic for Multiple acyl-CoA dehydrogenase deficiency. Last evaluated: 2021-04-23. Review status: criteria provided, single submitter. Criteria: Invitae Variant Classification Sherloc (09022015). Collection method: clinical testing. Allele origin: germline.
Comment: Advanced modeling of protein sequence and biophysical properties (such as structural, functional, and spatial information, amino acid conservation, physicochemical variation, residue mobility, and thermodynamic stability) performed at Invitae indicates that this missense variant is expected to disrupt ETFDH protein function. This variant has been observed in individual(s) with multiple acyl-CoA dehydrogenase deficiency (PMID: 30027710). In at least one individual the data is consistent with the variant being in trans (on the opposite chromosome) from a pathogenic variant. This variant is not present in population databases (ExAC no frequency). This sequence change replaces arginine with glycine at codon 452 of the ETFDH protein (p.Arg452Gly). The arginine residue is highly conserved and there is a moderate physicochemical difference between arginine and glycine. In summary, the currently available evidence indicates that the variant is pathogenic, but additional data are needed to prove that conclusively. Therefore, this variant has been classified as Likely Pathogenic.

Literature cited by the submitters: PubMed 30027710.

NM_004453.4(ETFDH):c.1354A>G (p.Arg452Gly)

Gene: ETFDH (electron transfer flavoprotein dehydrogenase; plus strand). Cytogenetic location: 4q32.1.
Variant type: single nucleotide variant.
Coding change: c.1354A>G on transcript NM_004453.4 (MANE Select); coding-DNA position 1354, A replaced by G.
Protein change: p.Arg452Gly; replaces arginine 452 with glycine.
Molecular consequence: missense variant.
Genome position (GRCh38, 1-based): chr4:158,706,257, A>G. VCF-style: chr4-158706257-A-G. GRCh37 (hg19) VCF-style: chr4-159627409-A-G.
Other names: c.1213A>G, p.Arg405Gly (NM_001281737.2); c.1171A>G, p.Arg391Gly (NM_001281738.1); short protein forms R405G, R391G, R452G.
Identifiers: ClinVar variation 1474260 (VCV001474260.8), dbSNP rs1580422659, ClinGen allele CA358563929.